The following is an entry in ClinVar:

NM_000264.5(PTCH1):c.1759A>G (p.Met587Val)

Genes: PTCH1 (patched 1; minus strand), LOC100507346 (uncharacterized LOC100507346; plus strand). Cytogenetic location: 9q22.32.
Variant type: single nucleotide variant.
Coding change: c.1759A>G on transcript NM_000264.5 (MANE Select); coding-DNA position 1759, A replaced by G.
Protein change: p.Met587Val; replaces methionine 587 with valine.
Molecular consequence: missense variant. On other transcripts: non-coding transcript variant (2).
Genome position (GRCh38, 1-based): chr9:95,469,901, T>C on the plus strand (A>G on the coding strand, the complement: PTCH1 is on the minus strand). VCF-style: chr9-95469901-T-C. GRCh37 (hg19) VCF-style: chr9-98232183-T-C.
Other names: c.1561A>G, p.Met521Val (NM_001083602.3); c.1756A>G, p.Met586Val (NM_001083603.3); c.1306A>G, p.Met436Val (NM_001083604.3, NM_001083605.3, NM_001083606.3 and 1 more transcripts); c.1603A>G, p.Met535Val (NM_001354918.2); short protein forms M436V, M587V, M521V, M535V, M586V.
Identifiers: ClinVar variation 1040753 (VCV001040753.9), dbSNP rs1840405779, ClinGen allele CA374116414.
Genomic context (GRCh38, chr9:95,469,901, plus strand): 5'-TCCTGTCCTCGCGTCGATATAAATCCATGCTGAGAATTGCAGGAAAAATGAGCAGAACCA[T>C]GGCAAAATTGAACACCACTACTACCGCTGCCTGGGAGCAGAAAAAAAATTCAGAGGTCAC-3'
Protein context (NP_000255.2, residues 577-597): AAVVVVFNFA[Met587Val]VLLIFPAILS

ClinVar aggregate classification (germline): Uncertain significance (1 of 4 stars; one submission).

Conditions:
Gorlin syndrome. Also called: Nevoid Basal Cell Carcinoma Syndrome; Basal cell nevus syndrome. Identifiers: Orphanet 377, MedGen C0004779, MONDO:0007187.

Submission:

Labcorp Genetics (formerly Invitae), Labcorp
Classification: Uncertain significance for Gorlin syndrome. Last evaluated: 2021-01-26. Review status: criteria provided, single submitter. Criteria: Invitae Variant Classification Sherloc (09022015). Collection method: clinical testing. Allele origin: germline.
Comment: This variant is not present in population databases (ExAC no frequency). This sequence change replaces methionine with valine at codon 587 of the PTCH1 protein (p.Met587Val). The methionine residue is moderately conserved and there is a small physicochemical difference between methionine and valine. This variant has not been reported in the literature in individuals with PTCH1-related conditions. Algorithms developed to predict the effect of missense changes on protein structure and function (SIFT, PolyPhen-2, Align-GVGD) all suggest that this variant is likely to be tolerated, but these predictions have not been confirmed by published functional studies and their clinical significance is uncertain. In summary, the available evidence is currently insufficient to determine the role of this variant in disease. Therefore, it has been classified as a Variant of Uncertain Significance.